The following is an entry in ClinVar:

NM_198578.4(LRRK2):c.1616A>G (p.Lys539Arg)

Gene: LRRK2 (leucine rich repeat kinase 2; plus strand). Cytogenetic location: 12q12.
Variant type: single nucleotide variant.
Coding change: c.1616A>G on transcript NM_198578.4 (MANE Select); coding-DNA position 1616, A replaced by G.
Protein change: p.Lys539Arg; replaces lysine 539 with arginine.
Molecular consequence: missense variant.
Genome position (GRCh38, 1-based): chr12:40,263,861, A>G. VCF-style: chr12-40263861-A-G. GRCh37 (hg19) VCF-style: chr12-40657663-A-G.
Other names: c.1616A>G (NM_198578.3); short protein forms K539R.
Identifiers: ClinVar variation 2870482 (VCV002870482.5), dbSNP rs55968234, ClinGen allele CA6513412.

ClinVar aggregate classification (germline): Uncertain significance. Review status: criteria provided, multiple submitters, no conflicts (2 of 4 stars). 3 submissions from 3 submitters: Uncertain significance (3). Last evaluated 2025-03-26.

Conditions:
LRRK2-related disorder. Also called: LRRK2-related condition.
Autosomal dominant Parkinson disease 8. Also called: Parkinson disease 8; Parkinson disease 8, susceptibility to; LRRK2-Related Parkinson Disease. Identifiers: Orphanet 411602, MedGen C1846862, MONDO:0011764, OMIM 607060.

Allele frequency attached by ClinVar (database versions not stated): TOPMed 0.00003; ExAC 0.00004; gnomAD 0.00005; gnomAD exomes 0.00006; ESP Exome Variant Server 0.00008; 1000 Genomes Project 30x 0.00016; 1000 Genomes Project 0.00020.
gnomAD v4.1: 88 of 1,613,068 alleles (0.0055%); highest among the groups gnomAD compares: Non-Finnish European, 0.0072%; no homozygotes.

Submissions (3):

PreventionGenetics, part of Exact Sciences
Classification: Uncertain significance for LRRK2-related condition. Last evaluated: 2025-03-26. Review status: criteria provided, single submitter. Criteria: ACMG Guidelines, 2015. Collection method: clinical testing. Allele origin: germline.
Comment: The LRRK2 c.1616A>G variant is predicted to result in the amino acid substitution p.Lys539Arg. To our knowledge, this variant has not been reported in the literature. This variant is reported in 0.012% of alleles in individuals of European (Non-Finnish) descent in gnomAD, which is more common than expected for a primary cause of disease. Although we suspect this variant may be benign, at this time the clinical significance is uncertain due to the absence of conclusive functional and genetic evidence.

Labcorp Genetics (formerly Invitae), Labcorp
Classification: Uncertain significance for Autosomal dominant Parkinson disease 8. Last evaluated: 2025-01-29. Review status: criteria provided, single submitter. Criteria: Invitae Variant Classification Sherloc (09022015). Collection method: clinical testing. Allele origin: germline.
Comment: This sequence change replaces lysine, which is basic and polar, with arginine, which is basic and polar, at codon 539 of the LRRK2 protein (p.Lys539Arg). This variant is present in population databases (rs55968234, gnomAD 0.01%). This variant has not been reported in the literature in individuals affected with LRRK2-related conditions. ClinVar contains an entry for this variant (Variation ID: 2870482). An algorithm developed to predict the effect of missense changes on protein structure and function outputs the following: PolyPhen-2: "Benign". The arginine amino acid residue is found in multiple mammalian species, which suggests that this missense change does not adversely affect protein function. In summary, the available evidence is currently insufficient to determine the role of this variant in disease. Therefore, it has been classified as a Variant of Uncertain Significance.

Fulgent Genetics
Classification: Uncertain significance for Autosomal dominant Parkinson disease 8. Last evaluated: 2024-04-23. Review status: criteria provided, single submitter. Criteria: ACMG Guidelines, 2015. Collection method: clinical testing. Allele origin: germline.